The following is an entry in ClinVar:

NM_004588.5(SCN2B):c.31G>A (p.Ala11Thr)

Gene: SCN2B (sodium voltage-gated channel beta subunit 2; minus strand). Cytogenetic location: 11q23.3.
Variant type: single nucleotide variant.
Coding change: c.31G>A on transcript NM_004588.5 (MANE Select); coding-DNA position 31, G replaced by A.
Protein change: p.Ala11Thr; replaces alanine 11 with threonine.
Molecular consequence: missense variant.
Genome position (GRCh38, 1-based): chr11:118,176,401, C>T on the plus strand (G>A on the coding strand, the complement: SCN2B is on the minus strand). VCF-style: chr11-118176401-C-T. GRCh37 (hg19) VCF-style: chr11-118047116-C-T.
Other names: short protein forms A11T.
Identifiers: ClinVar variation 4864138 (VCV004864138.1).

ClinVar aggregate classification (germline): Uncertain significance (1 of 4 stars; one submission).

Conditions:
Cardiovascular phenotype. Identifiers: MedGen CN230736.

Submission:

Ambry Genetics
Classification: Uncertain significance for Cardiovascular phenotype. Last evaluated: 2026-05-17. Review status: criteria provided, single submitter. Criteria: Ambry Variant Classification Scheme 2023. Collection method: clinical testing. Allele origin: germline.
Comment: The p.A11T variant (also known as c.31G>A), located in coding exon 1 of the SCN2B gene, results from a G to A substitution at nucleotide position 31. The alanine at codon 11 is replaced by threonine, an amino acid with similar properties. This amino acid position is conserved. In addition, the in silico prediction for this alteration is inconclusive. Based on the available evidence, the clinical significance of this variant remains unclear.